The following is an entry in ClinVar:

ClinVar aggregate classification (germline): Pathogenic (1 of 4 stars; one submission).

Conditions:
Methylcobalamin deficiency type cblE (HMAE). Also called: HOMOCYSTINURIA-MEGALOBLASTIC ANEMIA, cblE COMPLEMENTATION TYPE; HOMOCYSTINURIA-MEGALOBLASTIC ANEMIA, cblE TYPE; VITAMIN B12-RESPONSIVE HOMOCYSTINURIA, cblE TYPE. Identifiers: Orphanet 2169, Orphanet 622, MedGen C1856057, MONDO:0009354, OMIM 236270.

Submission:

Labcorp Genetics (formerly Invitae), Labcorp
Classification: Pathogenic for Methylcobalamin deficiency type cblE. Last evaluated: 2023-10-22. Review status: criteria provided, single submitter. Criteria: Invitae Variant Classification Sherloc (09022015). Collection method: clinical testing. Allele origin: germline.
Comment: This sequence change creates a premature translational stop signal (p.Arg386*) in the MTRR gene. It is expected to result in an absent or disrupted protein product. Loss-of-function variants in MTRR are known to be pathogenic (PMID: 15714522). Information on the frequency of this variant in the gnomAD database is not available, as this variant may be reported differently in the database. This variant has not been reported in the literature in individuals affected with MTRR-related conditions. ClinVar contains an entry for this variant (Variation ID: 942343). For these reasons, this variant has been classified as Pathogenic.

Literature cited by the submitters: PubMed 15714522.

NM_002454.3(MTRR):c.1155_1156delinsAT (p.Arg386Ter)

Gene: MTRR (5-methyltetrahydrofolate-homocysteine methyltransferase reductase; plus strand). Cytogenetic location: 5p15.31.
Variant type: Indel.
Coding change: c.1155_1156delinsAT on transcript NM_002454.3 (MANE Select); coding-DNA positions 1155 to 1156, GC replaced by AT.
Protein change: p.Arg386Ter; replaces arginine 386 with a stop codon.
Molecular consequence: nonsense. On other transcripts: non-coding transcript variant (14).
Genome position (GRCh38, 1-based): chr5:7,889,103-7,889,104, GC replaced by AT. VCF-style: chr5-7889103-GC-AT. GRCh37 (hg19) VCF-style: chr5-7889216-GC-AT.
Other names: c.1155_1156delinsAT, p.Arg386Ter (NM_001364440.2, NM_001364441.2, NM_001364442.2 and 1 more transcripts); short protein forms R386*.
Identifiers: ClinVar variation 942343 (VCV000942343.8), dbSNP rs1737110583, ClinGen allele CA1139658740.